The following is an entry in ClinVar:

NM_001042492.3(NF1):c.5250C>T (p.Asp1750=)

Gene: NF1 (neurofibromin 1; plus strand). Cytogenetic location: 17q11.2.
Variant type: single nucleotide variant.
Coding change: c.5250C>T on transcript NM_001042492.3 (MANE Select); coding-DNA position 5250, C replaced by T.
Protein change: p.Asp1750=; no amino-acid change (aspartic acid 1750 retained).
Molecular consequence: synonymous variant.
Genome position (GRCh38, 1-based): chr17:31,326,234, C>T. VCF-style: chr17-31326234-C-T. GRCh37 (hg19) VCF-style: chr17-29653252-C-T.
Other names: c.5187C>T, p.Asp1729= (NM_000267.4).
Identifiers: ClinVar variation 457742 (VCV000457742.16), dbSNP rs1210732116, ClinGen allele CA499233232.

ClinVar aggregate classification (germline): Likely benign. Review status: criteria provided, multiple submitters, no conflicts (2 of 4 stars). 4 submissions from 4 submitters: Likely benign (3). 1 of the submissions does not count toward it. Last evaluated 2025-05-19.

Conditions:
NF1-related disorder. Also called: NF1-related condition. Identifiers: MedGen CN379171.
Cardiovascular phenotype. Identifiers: MedGen CN230736.
Hereditary cancer-predisposing syndrome. Also called: Hereditary Cancer Syndrome; Hereditary neoplastic syndrome; Tumor predisposition; Neoplastic Syndromes, Hereditary. Identifiers: Orphanet 140162, MedGen C0027672, MeSH D009386, MONDO:0015356.
Neurofibromatosis, type 1 (NF1). Also called: VON RECKLINGHAUSEN DISEASE; NEUROFIBROMATOSIS, TYPE I, SOMATIC; Peripheral type neurofibromatosis; Neurofibromatosis, type I. Identifiers: Orphanet 636, MedGen C0027831, MONDO:0018975, OMIM 162200. Disease mechanism: loss of function.

Allele frequency attached by ClinVar (database versions not stated): TOPMed 0.00002.
gnomAD v4.1: 1 of 1,609,970 alleles (0.000062%); no homozygotes.

Submissions (4):

Labcorp Genetics (formerly Invitae), Labcorp
Classification: Likely benign for Neurofibromatosis, type 1. Last evaluated: 2025-05-19. Review status: criteria provided, single submitter. Criteria: Invitae Variant Classification Sherloc (09022015). Collection method: clinical testing. Allele origin: germline.

Genome-Nilou Lab
Classification: Likely benign for Neurofibromatosis, type 1. Last evaluated: 2022-03-15. Review status: criteria provided, single submitter. Criteria: ACMG Guidelines, 2015. Collection method: clinical testing. Allele origin: germline. Affected: no.

Ambry Genetics
Classification: Likely benign for Cardiovascular phenotype; Hereditary cancer-predisposing syndrome. Last evaluated: 2019-08-13. Review status: criteria provided, single submitter. Criteria: Ambry Variant Classification Scheme 2023. Collection method: clinical testing. Allele origin: germline.

PreventionGenetics, part of Exact Sciences
Classification: Likely benign for NF1-related condition. Last evaluated: 2023-08-07. Review status: no assertion criteria provided. Collection method: clinical testing. Allele origin: germline. Not counted in ClinVar's aggregate classification.
Comment: This variant is classified as likely benign based on ACMG/AMP sequence variant interpretation guidelines (Richards et al. 2015 PMID: 25741868, with internal and published modifications).